The following is an entry in ClinVar:

ClinVar aggregate classification (germline): Uncertain significance. Review status: criteria provided, multiple submitters, no conflicts (2 of 4 stars). 4 submissions from 4 submitters: Uncertain significance (3). 1 of the submissions does not count toward it. Last evaluated 2024-08-02.

Conditions:
PCNT-related disorder. Also called: PCNT-related condition.
Microcephalic osteodysplastic primordial dwarfism type II (MOPD2). Also called: Microcephalic osteodysplastic primordial dwarfism with tooth abnormalities; MOPD II; OSTEODYSPLASTIC PRIMORDIAL DWARFISM, TYPE II. Identifiers: Orphanet 2637, MedGen C0432246, MONDO:0008872, OMIM 210720.

Allele frequency attached by ClinVar (database versions not stated): gnomAD 0.00005; ExAC 0.00007; ESP Exome Variant Server 0.00008; gnomAD exomes 0.00008 and 0.00016; TOPMed 0.00009.

Submissions (4):

Blueprint Genetics
Classification: Uncertain significance. Last evaluated: 2024-08-02. Review status: criteria provided, single submitter. Criteria: ACMG Guidelines, 2015. Collection method: clinical testing. Allele origin: germline.

Labcorp Genetics (formerly Invitae), Labcorp
Classification: Uncertain significance. Last evaluated: 2022-06-30. Review status: criteria provided, single submitter. Criteria: Invitae Variant Classification Sherloc (09022015). Collection method: clinical testing. Allele origin: germline.
Comment: This sequence change falls in intron 36 of the PCNT gene. It does not directly change the encoded amino acid sequence of the PCNT protein. It affects a nucleotide within the consensus splice site. This variant is present in population databases (rs376736200, gnomAD 0.01%). This variant has not been reported in the literature in individuals affected with PCNT-related conditions. ClinVar contains an entry for this variant (Variation ID: 340531). Variants that disrupt the consensus splice site are a relatively common cause of aberrant splicing (PMID: 17576681, 9536098). Algorithms developed to predict the effect of sequence changes on RNA splicing suggest that this variant is not likely to affect RNA splicing. In summary, the available evidence is currently insufficient to determine the role of this variant in disease. Therefore, it has been classified as a Variant of Uncertain Significance.

Illumina Laboratory Services, Illumina
Classification: Uncertain significance for Microcephalic osteodysplastic primordial dwarfism type II. Last evaluated: 2018-01-13. Review status: criteria provided, single submitter. Criteria: ICSL Variant Classification Criteria 13 December 2019. Collection method: clinical testing. Allele origin: germline.

PreventionGenetics, part of Exact Sciences
Classification: Likely benign for PCNT-related condition. Last evaluated: 2021-06-04. Review status: no assertion criteria provided. Collection method: clinical testing. Allele origin: germline. Not counted in ClinVar's aggregate classification.
Comment: This variant is classified as likely benign based on ACMG/AMP sequence variant interpretation guidelines (Richards et al. 2015 PMID: 25741868, with internal and published modifications).

Literature cited by the submitters: PubMed 17576681 (cited by Labcorp Genetics (formerly Invitae), Labcorp); PubMed 9536098 (cited by Labcorp Genetics (formerly Invitae), Labcorp).

NM_006031.6(PCNT):c.7913+4C>T

Gene: PCNT (pericentrin; plus strand). Cytogenetic location: 21q22.3.
Variant type: single nucleotide variant.
Coding change: c.7913+4C>T on transcript NM_006031.6 (MANE Select); 4 bases into the intron after coding-DNA position 7913, C replaced by T.
Molecular consequence: intron variant.
Genome position (GRCh38, 1-based): chr21:46,430,236, C>T. VCF-style: chr21-46430236-C-T. GRCh37 (hg19) VCF-style: chr21-47850150-C-T.
Other names: c.7559+4C>T (NM_001315529.2).
Identifiers: ClinVar variation 340531 (VCV000340531.10), dbSNP rs376736200, ClinGen allele CA10080819.